The following is an entry in ClinVar:

ClinVar aggregate classification (germline): Uncertain significance. Review status: criteria provided, multiple submitters, no conflicts (2 of 4 stars). 2 submissions from 2 submitters: Uncertain significance (2). Last evaluated 2026-08-11.

Conditions:
Familial cancer of breast. Also called: Hereditary breast cancer; hereditary breast carcinoma; BREAST CANCER, FAMILIAL. Identifiers: Orphanet 227535, MedGen C0346153, MONDO:0016419, OMIM 114480. Disease mechanism: loss of function.
Hereditary cancer-predisposing syndrome. Also called: Hereditary Cancer Syndrome; Hereditary neoplastic syndrome; Neoplastic Syndromes, Hereditary; Tumor predisposition. Identifiers: Orphanet 140162, MedGen C0027672, MeSH D009386, MONDO:0015356.

gnomAD v4.1: 1 of 1,608,822 alleles (0.000062%); no homozygotes.

Submissions (2):

Ambry Genetics
Classification: Uncertain significance for Hereditary cancer-predisposing syndrome. Last evaluated: 2026-08-11. Review status: criteria provided, single submitter. Criteria: Ambry Variant Classification Scheme 2023. Collection method: clinical testing. Allele origin: germline.
Comment: The p.F427V variant (also known as c.1279T>G), located in coding exon 11 of the CHEK2 gene, results from a T to G substitution at nucleotide position 1279. The phenylalanine at codon 427 is replaced by valine, an amino acid with highly similar properties. This amino acid position is highly conserved in available vertebrate species. In addition, this alteration is predicted to be deleterious by in silico analysis. Based on the available evidence, the clinical significance of this variant remains unclear.

Labcorp Genetics (formerly Invitae), Labcorp
Classification: Uncertain significance for Familial cancer of breast. Last evaluated: 2023-04-14. Review status: criteria provided, single submitter. Criteria: Invitae Variant Classification Sherloc (09022015). Collection method: clinical testing. Allele origin: germline.
Comment: Algorithms developed to predict the effect of sequence changes on RNA splicing suggest that this variant may disrupt the consensus splice site. An algorithm developed to predict the effect of missense changes on protein structure and function (PolyPhen-2) suggests that this variant is likely to be disruptive. This variant has not been reported in the literature in individuals affected with CHEK2-related conditions. This variant is not present in population databases (gnomAD no frequency). This sequence change replaces phenylalanine, which is neutral and non-polar, with valine, which is neutral and non-polar, at codon 427 of the CHEK2 protein (p.Phe427Val). In summary, the available evidence is currently insufficient to determine the role of this variant in disease. Therefore, it has been classified as a Variant of Uncertain Significance.

NM_007194.4(CHEK2):c.1279T>G (p.Phe427Val)

Gene: CHEK2 (checkpoint kinase 2; minus strand). Cytogenetic location: 22q12.1.
Variant type: single nucleotide variant.
Coding change: c.1279T>G on transcript NM_007194.4 (MANE Select); coding-DNA position 1279, T replaced by G.
Protein change: p.Phe427Val; replaces phenylalanine 427 with valine.
Molecular consequence: missense variant.
Genome position (GRCh38, 1-based): chr22:28,695,223, A>C on the plus strand (T>G on the coding strand, the complement: CHEK2 is on the minus strand). VCF-style: chr22-28695223-A-C. GRCh37 (hg19) VCF-style: chr22-29091211-A-C.
Other names: c.1408T>G, p.Phe470Val (NM_001005735.3); c.616T>G, p.Phe206Val (NM_001257387.3); c.1078T>G, p.Phe360Val (NM_001349956.3); c.1192T>G, p.Phe398Val (NM_145862.3); c.1279T>G (NM_007194.3); short protein forms F206V, F398V, F360V, F427V, F470V.
Identifiers: ClinVar variation 2856121 (VCV002856121.4), dbSNP rs2145795572, ClinGen allele CA411096259.